The following is an entry in ClinVar:

NM_016169.4(SUFU):c.280G>C (p.Gly94Arg)

Gene: SUFU (SUFU negative regulator of hedgehog signaling; plus strand). Cytogenetic location: 10q24.32.
Variant type: single nucleotide variant.
Coding change: c.280G>C on transcript NM_016169.4 (MANE Select); coding-DNA position 280, G replaced by C.
Protein change: p.Gly94Arg; replaces glycine 94 with arginine.
Molecular consequence: missense variant.
Genome position (GRCh38, 1-based): chr10:102,509,266, G>C. VCF-style: chr10-102509266-G-C. GRCh37 (hg19) VCF-style: chr10-104269023-G-C.
Other names: c.280G>C, p.Gly94Arg (NM_001178133.2); short protein forms G94R.
Identifiers: ClinVar variation 5017350 (VCV005017350.1).

ClinVar aggregate classification (germline): Uncertain significance (1 of 4 stars; one submission).

Submission:

GeneDx
Classification: Uncertain significance. Last evaluated: 2026-03-23. Review status: criteria provided, single submitter. Criteria: GeneDx Variant Classification Process June 2021. Collection method: clinical testing. Allele origin: germline.
Comment: Not observed at significant frequency in large population cohorts (gnomAD); In silico analysis supports that this missense variant has a deleterious effect on protein structure/function; Has not been previously published as pathogenic or benign to our knowledge; This variant is associated with the following publications: (PMID: 24311597)